The following is an entry in ClinVar:

NM_001378964.1(CDON):c.*2749C>G

Gene: CDON (cell adhesion associated, oncogene regulated; minus strand). Cytogenetic location: 11q24.2.
Variant type: single nucleotide variant.
Coding change: c.*2749C>G on transcript NM_001378964.1 (MANE Select); 2749 bases downstream of the stop codon, C replaced by G.
Molecular consequence: 3 prime UTR variant.
Genome position (GRCh38, 1-based): chr11:125,958,193, G>C on the plus strand (C>G on the coding strand, the complement: CDON is on the minus strand). VCF-style: chr11-125958193-G-C. GRCh37 (hg19) VCF-style: chr11-125828088-G-C.
Other names: c.*2749C>G (NM_001243597.3, NM_016952.6).
Identifiers: ClinVar variation 303399 (VCV000303399.29), dbSNP rs76176354, ClinGen allele CA10630320.
Genomic context (GRCh38, chr11:125,958,193, plus strand): 5'-GGAGGAATTCCACGGCAGGGATAGATCACAGCATACGGAACGGGACTGGTTCCATCCAAA[G>C]AGTGAACCACAATGCTTTTGGAAAGCAGTATGGAAAAATGGGAGGAGCCCAGATTATGGC-3'

ClinVar aggregate classification (germline): Benign. Review status: criteria provided, multiple submitters, no conflicts (2 of 4 stars). 2 submissions from 2 submitters: Benign (2). Last evaluated 2023-06-01.

Conditions:
Holoprosencephaly 11 (HPE11). Identifiers: Orphanet 2162, MedGen C3280215, MONDO:0013642, OMIM 614226.

Allele frequency attached by ClinVar (database versions not stated): 1000 Genomes Project 0.00300; 1000 Genomes Project 30x 0.00312; gnomAD 0.00369 and 0.00408; TOPMed 0.00420.

Submissions (2):

CeGaT Center for Human Genetics Tuebingen
Classification: Benign. Last evaluated: 2023-06-01. Review status: criteria provided, single submitter. Criteria: CeGaT Center For Human Genetics Tuebingen Variant Classification Criteria Version 2. Collection method: clinical testing. Allele origin: germline. Affected: yes. Observed: 2 variant alleles.
Comment: CDON: BS1, BS2

Illumina Laboratory Services, Illumina
Classification: Benign for Holoprosencephaly 11. Last evaluated: 2018-01-13. Review status: criteria provided, single submitter. Criteria: ICSL Variant Classification Criteria 13 December 2019. Collection method: clinical testing. Allele origin: germline.
Comment: This variant was observed in the ICSL laboratory as part of a predisposition screen in an ostensibly healthy population. It had not been previously curated by ICSL or reported in the Human Gene Mutation Database (HGMD: prior to June 1st, 2018), and was therefore a candidate for classification through an automated scoring system. Utilizing variant allele frequency, disease prevalence and penetrance estimates, and inheritance mode, an automated score was calculated to assess if this variant is too frequent to cause the disease. Based on the score and internal cut-off values, a variant classified as benign is not then subjected to further curation. The score for this variant resulted in a classification of benign for this disease.